The following is an entry in ClinVar:

NM_002519.3(NPAT):c.3646A>G (p.Asn1216Asp)

Gene: NPAT (nuclear protein, coactivator of histone transcription; minus strand). Cytogenetic location: 11q22.3.
Variant type: single nucleotide variant.
Coding change: c.3646A>G on transcript NM_002519.3 (MANE Select); coding-DNA position 3646, A replaced by G.
Protein change: p.Asn1216Asp; replaces asparagine 1216 with aspartic acid.
Molecular consequence: missense variant.
Genome position (GRCh38, 1-based): chr11:108,161,440, T>C on the plus strand (A>G on the coding strand, the complement: NPAT is on the minus strand). VCF-style: chr11-108161440-T-C. GRCh37 (hg19) VCF-style: chr11-108032167-T-C.
Other names: c.3667A>G, p.Asn1223Asp (NM_001321307.1); short protein forms N1216D, N1223D.
Identifiers: ClinVar variation 1338700 (VCV001338700.10), dbSNP rs189775078, ClinGen allele CA6263545.

ClinVar aggregate classification (germline): Benign/Likely benign. Review status: criteria provided, multiple submitters, no conflicts (2 of 4 stars). 4 submissions from 4 submitters: Benign (2); Likely benign (2). Last evaluated 2026-02-01.

Conditions:
NPAT-related disorder. Also called: NPAT-related condition.

Allele frequency attached by ClinVar (database versions not stated): 1000 Genomes Project 30x 0.00125; 1000 Genomes Project 0.00140; gnomAD 0.00206 and 0.00234; gnomAD exomes 0.00243; ExAC 0.00259; TOPMed 0.00262; ESP Exome Variant Server 0.00345.
gnomAD v4.1: 4,872 of 1,614,246 alleles (0.3%); highest among the groups gnomAD compares: Middle Eastern, 0.48%; 12 homozygotes.

Submissions (4):

Labcorp Genetics (formerly Invitae), Labcorp
Classification: Likely benign. Last evaluated: 2026-02-01. Review status: criteria provided, single submitter. Criteria: Invitae Variant Classification Sherloc (09022015). Collection method: clinical testing. Allele origin: germline.

PreventionGenetics, part of Exact Sciences
Classification: Likely benign for NPAT-related condition. Last evaluated: 2025-03-12. Review status: criteria provided, single submitter. Criteria: ACMG Guidelines, 2015. Collection method: clinical testing. Allele origin: germline.
Comment: This variant is classified as likely benign based on ACMG/AMP sequence variant interpretation guidelines (Richards et al. 2015 PMID: 25741868, with internal and published modifications).

Genetic Services Laboratory, University of Chicago
Classification: Benign. Last evaluated: 2019-04-01. Review status: criteria provided, single submitter. Criteria: ACMG Guidelines, 2015. Collection method: clinical testing. Allele origin: germline. Affected: no.

Breakthrough Genomics
Classification: Benign. Review status: criteria provided, single submitter. Criteria: ACMG Guidelines, 2015. Collection method: not provided. Allele origin: germline. Inheritance: Unknown mechanism. Affected: yes.